The following is an entry in ClinVar:

ClinVar aggregate classification (germline): Uncertain significance (1 of 4 stars; one submission).

Submission:

Labcorp Genetics (formerly Invitae), Labcorp
Classification: Uncertain significance. Last evaluated: 2022-03-24. Review status: criteria provided, single submitter. Criteria: Invitae Variant Classification Sherloc (09022015). Collection method: clinical testing. Allele origin: germline.
Comment: This variant is not present in population databases (gnomAD no frequency). In summary, the available evidence is currently insufficient to determine the role of this variant in disease. Therefore, it has been classified as a Variant of Uncertain Significance. Variants that disrupt the consensus splice site are a relatively common cause of aberrant splicing (PMID: 17576681, 9536098). Algorithms developed to predict the effect of sequence changes on RNA splicing suggest that this variant is not likely to affect RNA splicing. This variant has not been reported in the literature in individuals affected with CFB-related conditions. This sequence change falls in intron 9 of the CFB gene. It does not directly change the encoded amino acid sequence of the CFB protein. It affects a nucleotide within the consensus splice site.

Literature cited by the submitters: PubMed 17576681; PubMed 9536098.

NM_001710.6(CFB):c.1270+4A>T

Gene: CFB (complement factor B; plus strand). Cytogenetic location: 6p21.33.
Variant type: single nucleotide variant.
Coding change: c.1270+4A>T on transcript NM_001710.6 (MANE Select); 4 bases into the intron after coding-DNA position 1270, A replaced by T.
Molecular consequence: intron variant.
Genome position (GRCh38, 1-based): chr6:31,949,348, A>T. VCF-style: chr6-31949348-A-T. GRCh37 (hg19) VCF-style: chr6-31917125-A-T.
Identifiers: ClinVar variation 2039155 (VCV002039155.4), dbSNP rs2482695407, ClinGen allele CA2580074304.